The following is an entry in ClinVar:

ClinVar aggregate classification (germline): Pathogenic (1 of 4 stars; one submission).

Conditions:
Hereditary factor VIII deficiency disease (HEMA). Also called: AUTOSOMAL HEMOPHILIA A; Hemophilia A; HEMOPHILIA, CLASSIC; Hemophilia A, congenital; HEM A; Factor 8 deficiency, congenital. Identifiers: Orphanet 98878, MedGen C0019069, MONDO:0010602, OMIM 306700.

Allele frequency attached by ClinVar (database versions not stated): gnomAD exomes below 0.00001; TOPMed below 0.00001.
gnomAD v4.1: 2 of 1,210,779 alleles (0.00017%); highest among the groups gnomAD compares: African/African-American, 0.0017%; no homozygotes.

Submission:

ARUP Laboratories, Molecular Genetics and Genomics, ARUP Laboratories
Classification: Pathogenic for Hereditary factor VIII deficiency disease. Last evaluated: 2018-07-03. Review status: criteria provided, single submitter. Criteria: ARUP Molecular Germline Variant Investigation Process. Collection method: clinical testing. Allele origin: germline.
Comment: The F8 c.1271+1G>A variant has been described in individuals with severe hemophilia A (see link to F8 database and references therein). It is absent from general population databases (1000 Genomes Project, Exome Variant Server, and Genome Aggregation Database), indicating it is not a common polymorphism. This variant abolishes the canonical splice donor site of intron 8, which is likely to disrupt gene function. Additionally, another variant at this nucleotide position (c.1271+1G>T) has been reported in an individual with hemophilia A, and RNA analysis of this individual's blood demonstrated that this alteration results in a cryptic splice site activation of exon 8, leading to an out-of-frame protein product (Lannoy 2012). Based on available information, the c.1271+1G>A variant is considered pathogenic. References: Link to FVIII database: Lannoy N et al. Computational and molecular approaches for predicting unreported causal missense mutations in Belgian patients with haemophilia A. Haemophilia. 2012 May;18(3):e331-9.

NM_000132.4(F8):c.1271+1G>A

Gene: F8 (coagulation factor VIII; minus strand). Cytogenetic location: Xq28.
Variant type: single nucleotide variant.
Coding change: c.1271+1G>A on transcript NM_000132.4 (MANE Select); the canonical splice donor site of the intron after coding-DNA position 1271, G replaced by A.
Molecular consequence: splice donor variant.
Genome position (GRCh38, 1-based): chrX:154,966,425, C>T on the plus strand (G>A on the coding strand, the complement: F8 is on the minus strand). VCF-style: chrX-154966425-C-T. GRCh37 (hg19) VCF-style: chrX-154194700-C-T.
Identifiers: ClinVar variation 811704 (VCV000811704.8), dbSNP rs1603435260, ClinGen allele CA414915622.
Genomic context (GRCh38, chrX:154,966,425, plus strand): 5'-AACTGGTAAGAACTTTTTGAGTATGGGGAAGAGAGAGTACCAATAGTCAAAAAGTGCTTA[C>T]CTGTCATCGGGGGCGAGGACTAAGGGAGCATAGTCCCAGTCCTCCTCTTCAGCAGCAATG-3'